The following is an entry in ClinVar:

ClinVar aggregate classification (germline): Uncertain significance. Review status: criteria provided, multiple submitters, no conflicts (2 of 4 stars). 4 submissions from 3 submitters: Uncertain significance (4). Last evaluated 2023-11-27.

Conditions:
Inborn genetic diseases. Identifiers: MedGen C0950123, MeSH D030342.
Mitochondrial complex I deficiency, nuclear type 1. Also called: NADH-COENZYME Q REDUCTASE DEFICIENCY; MITOCHONDRIAL NADH DEHYDROGENASE COMPONENT OF COMPLEX I, DEFICIENCY OF. Identifiers: MedGen C6022305, MONDO:0100224, OMIM 252010.
Leigh syndrome (NULS). Also called: LEIGH SYNDROME, NUCLEAR; Leigh's syndrome; Leigh's necrotizing encephalopathy; Leigh's disease; Leigh Syndrome (mtDNA deletion); Leigh Disease. Identifiers: Orphanet 506, MedGen C2931891, MONDO:0009723, OMIM 256000.

Allele frequency attached by ClinVar (database versions not stated): gnomAD exomes 0.00001.
gnomAD v4.1: 12 of 1,614,136 alleles (0.00074%); highest among the groups gnomAD compares: South Asian, 0.0011%; no homozygotes.

Submissions (4):

Labcorp Genetics (formerly Invitae), Labcorp
Classification: Uncertain significance. Last evaluated: 2023-11-27. Review status: criteria provided, single submitter. Criteria: Invitae Variant Classification Sherloc (09022015). Collection method: clinical testing. Allele origin: germline.
Comment: This sequence change replaces arginine, which is basic and polar, with glutamine, which is neutral and polar, at codon 50 of the NDUFS3 protein (p.Arg50Gln). This variant is not present in population databases (gnomAD no frequency). This variant has not been reported in the literature in individuals affected with NDUFS3-related conditions. ClinVar contains an entry for this variant (Variation ID: 522043). Algorithms developed to predict the effect of missense changes on protein structure and function output the following: SIFT: "Not Available"; PolyPhen-2: "Benign"; Align-GVGD: "Not Available". The glutamine amino acid residue is found in multiple mammalian species, which suggests that this missense change does not adversely affect protein function. In summary, the available evidence is currently insufficient to determine the role of this variant in disease. Therefore, it has been classified as a Variant of Uncertain Significance.

Illumina Laboratory Services, Illumina
Classification: Uncertain significance for Leigh syndrome. Last evaluated: 2018-01-12. Review status: criteria provided, single submitter. Criteria: ICSL Variant Classification Criteria 13 December 2019. Collection method: clinical testing. Allele origin: germline.

Illumina Laboratory Services, Illumina
Classification: Uncertain significance for Mitochondrial complex I deficiency, nuclear type 1. Last evaluated: 2018-01-12. Review status: criteria provided, single submitter. Criteria: ICSL Variant Classification Criteria 13 December 2019. Collection method: clinical testing. Allele origin: germline.

Ambry Genetics
Classification: Uncertain significance for Inborn genetic diseases. Last evaluated: 2017-09-12. Review status: criteria provided, single submitter. Criteria: Ambry exome assertion method (8-5-2015). Collection method: clinical testing. Allele origin: germline. Affected: yes. Observed: 1 variant allele.

NM_004551.3(NDUFS3):c.149G>A (p.Arg50Gln)

Gene: NDUFS3 (NADH:ubiquinone oxidoreductase core subunit S3; plus strand). Cytogenetic location: 11p11.2.
Variant type: single nucleotide variant.
Coding change: c.149G>A on transcript NM_004551.3 (MANE Select); coding-DNA position 149, G replaced by A.
Protein change: p.Arg50Gln; replaces arginine 50 with glutamine.
Molecular consequence: missense variant.
Genome position (GRCh38, 1-based): chr11:47,580,540, G>A. VCF-style: chr11-47580540-G-A. GRCh37 (hg19) VCF-style: chr11-47602092-G-A.
Other names: short protein forms R50Q.
Identifiers: ClinVar variation 522043 (VCV000522043.11), dbSNP rs1555198759, ClinGen allele CA380357590.